The following is an entry in ClinVar:

ClinVar aggregate classification (germline): Uncertain significance (1 of 4 stars; one submission).

Allele frequency attached by ClinVar (database versions not stated): gnomAD exomes below 0.00001.
gnomAD v4.1: 1 of 1,612,574 alleles (0.000062%); highest among the groups gnomAD compares: Non-Finnish European, 0.000085%; no homozygotes.

Submission:

Ambry Genetics
Classification: Uncertain significance. Last evaluated: 2023-05-27. Review status: criteria provided, single submitter. Criteria: Ambry Variant Classification Scheme 2023. Collection method: clinical testing. Allele origin: germline.
Comment: The p.N1541K variant (also known as c.4623T>A), located in coding exon 16 of the POLQ gene, results from a T to A substitution at nucleotide position 4623. The asparagine at codon 1541 is replaced by lysine, an amino acid with similar properties. This amino acid position is conserved. In addition, this alteration is predicted to be tolerated by in silico analysis. Since supporting evidence is limited at this time, the clinical significance of this alteration remains unclear.

NM_199420.4(POLQ):c.4623T>A (p.Asn1541Lys)

Gene: POLQ (DNA polymerase theta; minus strand). Cytogenetic location: 3q13.33.
Variant type: single nucleotide variant.
Coding change: c.4623T>A on transcript NM_199420.4 (MANE Select); coding-DNA position 4623, T replaced by A.
Protein change: p.Asn1541Lys; replaces asparagine 1541 with lysine.
Molecular consequence: missense variant.
Genome position (GRCh38, 1-based): chr3:121,488,308, A>T on the plus strand (T>A on the coding strand, the complement: POLQ is on the minus strand). VCF-style: chr3-121488308-A-T. GRCh37 (hg19) VCF-style: chr3-121207155-A-T.
Other names: short protein forms N1541K.
Identifiers: ClinVar variation 2563871 (VCV002563871.2), dbSNP rs2546785725, ClinGen allele CA354094415.